The following is an entry in ClinVar:

ClinVar aggregate classification (germline): Likely benign (1 of 4 stars; one submission).

Conditions:
Familial hypercholesterolemia. Also called: Familial hypercholesterolemias; Familial hypercholesterolaemia. Identifiers: MedGen C0020445, MONDO:0005439.

gnomAD v4.1: 6 of 1,614,020 alleles (0.00037%); highest among the groups gnomAD compares: South Asian, 0.0055%; no homozygotes.

Submission:

GENinCode PLC
Classification: Likely benign for Familial hypercholesterolemia. Last evaluated: 2025-08-26. Review status: criteria provided, single submitter. Criteria: ACMG Guidelines, 2015. Collection method: clinical testing. Allele origin: germline.
Comment: This is a synonymous (silent) variant that is not predicted to impact splicing and occurs at a nucleotide which is not highly conserved. This variant has been classified as Likely Benign (BP4, BP7).

NM_000384.3(APOB):c.5991T>C (p.Asp1997=)

Gene: APOB (apolipoprotein B; minus strand). Cytogenetic location: 2p24.1.
Variant type: single nucleotide variant.
Coding change: c.5991T>C on transcript NM_000384.3 (MANE Select); coding-DNA position 5991, T replaced by C.
Protein change: p.Asp1997=; no amino-acid change (aspartic acid 1997 retained).
Molecular consequence: synonymous variant.
Genome position (GRCh38, 1-based): chr2:21,010,877, A>G on the plus strand (T>C on the coding strand, the complement: APOB is on the minus strand). VCF-style: chr2-21010877-A-G. GRCh37 (hg19) VCF-style: chr2-21233749-A-G.
Identifiers: ClinVar variation 4888250 (VCV004888250.1).